The following is an entry in ClinVar:

ClinVar aggregate classification (germline): Likely benign. Review status: criteria provided, multiple submitters, no conflicts (2 of 4 stars). 2 submissions from 2 submitters: Likely benign (2). Last evaluated 2025-10-17.

Conditions:
CNGA3-related disorder. Also called: CNGA3-related condition.

Allele frequency attached by ClinVar (database versions not stated): 1000 Genomes Project 0.00020; 1000 Genomes Project 30x 0.00031.
gnomAD v4.1: 13 of 1,613,938 alleles (0.00081%); highest among the groups gnomAD compares: East Asian, 0.0067%; no homozygotes.

Submissions (2):

PreventionGenetics, part of Exact Sciences
Classification: Likely benign for CNGA3-related condition. Last evaluated: 2025-10-17. Review status: criteria provided, single submitter. Criteria: ACMG Guidelines, 2015. Collection method: clinical testing. Allele origin: germline.
Comment: This variant is classified as likely benign based on ACMG/AMP sequence variant interpretation guidelines (Richards et al. 2015 PMID: 25741868, with internal and published modifications).

Labcorp Genetics (formerly Invitae), Labcorp
Classification: Likely benign. Last evaluated: 2024-10-10. Review status: criteria provided, single submitter. Criteria: Invitae Variant Classification Sherloc (09022015). Collection method: clinical testing. Allele origin: germline.

NM_001298.3(CNGA3):c.1860C>T (p.Gly620=)

Gene: CNGA3 (cyclic nucleotide gated channel subunit alpha 3; plus strand). Cytogenetic location: 2q11.2.
Variant type: single nucleotide variant.
Coding change: c.1860C>T on transcript NM_001298.3 (MANE Select); coding-DNA position 1860, C replaced by T.
Protein change: p.Gly620=; no amino-acid change (glycine 620 retained).
Molecular consequence: synonymous variant.
Genome position (GRCh38, 1-based): chr2:98,397,030, C>T. VCF-style: chr2-98397030-C-T. GRCh37 (hg19) VCF-style: chr2-99013493-C-T.
Other names: c.1860C>T (NM_001298.2); c.1806C>T, p.Gly602= (NM_001079878.2).
Identifiers: ClinVar variation 1906486 (VCV001906486.6), dbSNP rs529873704, ClinGen allele CA1794105.